The following is an entry in ClinVar:

NM_017950.4(CCDC40):c.950C>G (p.Thr317Ser)

Gene: CCDC40 (coiled-coil domain 40 molecular ruler complex subunit; plus strand). Cytogenetic location: 17q25.3.
Variant type: single nucleotide variant.
Coding change: c.950C>G on transcript NM_017950.4 (MANE Select); coding-DNA position 950, C replaced by G.
Protein change: p.Thr317Ser; replaces threonine 317 with serine.
Molecular consequence: missense variant.
Genome position (GRCh38, 1-based): chr17:80,050,074, C>G. VCF-style: chr17-80050074-C-G. GRCh37 (hg19) VCF-style: chr17-78023873-C-G.
Other names: c.950C>G, p.Thr317Ser (NM_001243342.2, NM_001330508.2); short protein forms T317S.
Identifiers: ClinVar variation 942865 (VCV000942865.10), dbSNP rs751751403, ClinGen allele CA401354994.

ClinVar aggregate classification (germline): Uncertain significance (1 of 4 stars; one submission).

Conditions:
Primary ciliary dyskinesia. Also called: Ciliary dyskinesia. Identifiers: Orphanet 244, MedGen C0008780, MONDO:0016575, HP:0012265.

gnomAD v4.1: 1 of 1,613,470 alleles (0.000062%); no homozygotes.

Submission:

Labcorp Genetics (formerly Invitae), Labcorp
Classification: Uncertain significance for Primary ciliary dyskinesia. Last evaluated: 2024-12-08. Review status: criteria provided, single submitter. Criteria: Invitae Variant Classification Sherloc (09022015). Collection method: clinical testing. Allele origin: germline.
Comment: This sequence change replaces threonine, which is neutral and polar, with serine, which is neutral and polar, at codon 317 of the CCDC40 protein (p.Thr317Ser). This variant is not present in population databases (gnomAD no frequency). This variant has not been reported in the literature in individuals affected with CCDC40-related conditions. ClinVar contains an entry for this variant (Variation ID: 942865). Invitae Evidence Modeling of protein sequence and biophysical properties (such as structural, functional, and spatial information, amino acid conservation, physicochemical variation, residue mobility, and thermodynamic stability) indicates that this missense variant is not expected to disrupt CCDC40 protein function with a negative predictive value of 80%. In summary, the available evidence is currently insufficient to determine the role of this variant in disease. Therefore, it has been classified as a Variant of Uncertain Significance.